The following is an entry in ClinVar:

ClinVar aggregate classification (germline): Conflicting classifications of pathogenicity. Review status: criteria provided, conflicting classifications (1 of 4 stars). 2 submissions from 2 submitters: Uncertain significance (1); Likely benign (1). Last evaluated 2025-08-24.

Conditions:
Idiopathic Pulmonary Fibrosis. Also called: Idiopathic fibrosing alveolitis, chronic form; idiopathic fibrosing alveolitis. Identifiers: Orphanet 2032, MedGen C1800706, MeSH D054990, MONDO:0800504.
Dyskeratosis congenita, autosomal dominant 2. Identifiers: MedGen C3151443, MONDO:0013521, OMIM 613989.
Dyskeratosis congenita. Identifiers: Orphanet 1775, MedGen C0265965, MONDO:0015780.

Allele frequency attached by ClinVar (database versions not stated): gnomAD exomes below 0.00001; gnomAD 0.00002; TOPMed 0.00002.
gnomAD v4.1: 4 of 1,613,898 alleles (0.00025%); highest among the groups gnomAD compares: African/African-American, 0.004%; no homozygotes.

Submissions (2):

Labcorp Genetics (formerly Invitae), Labcorp
Classification: Likely benign for Dyskeratosis congenita, autosomal dominant 2; Idiopathic Pulmonary Fibrosis. Last evaluated: 2025-08-24. Review status: criteria provided, single submitter. Criteria: Invitae Variant Classification Sherloc (09022015). Collection method: clinical testing. Allele origin: germline.

Ambry Genetics
Classification: Uncertain significance for Dyskeratosis congenita. Last evaluated: 2024-02-02. Review status: criteria provided, single submitter. Criteria: Ambry Variant Classification Scheme 2023. Collection method: clinical testing. Allele origin: germline.
Comment: The p.G527V variant (also known as c.1580G>T), located in coding exon 3 of the TERT gene, results from a G to T substitution at nucleotide position 1580. The glycine at codon 527 is replaced by valine, an amino acid with dissimilar properties. This amino acid position is conserved. In addition, this alteration is predicted to be tolerated by in silico analysis. Based on the available evidence, the clinical significance of this alteration remains unclear.

NM_198253.3(TERT):c.1580G>T (p.Gly527Val)

Gene: TERT (telomerase reverse transcriptase; minus strand). Cytogenetic location: 5p15.33.
Variant type: single nucleotide variant.
Coding change: c.1580G>T on transcript NM_198253.3 (MANE Select); coding-DNA position 1580, G replaced by T.
Protein change: p.Gly527Val; replaces glycine 527 with valine.
Molecular consequence: missense variant. On other transcripts: non-coding transcript variant (2).
Genome position (GRCh38, 1-based): chr5:1,282,618, C>A on the plus strand (G>T on the coding strand, the complement: TERT is on the minus strand). VCF-style: chr5-1282618-C-A. GRCh37 (hg19) VCF-style: chr5-1282733-C-A.
Other names: c.1580G>T, p.Gly527Val (NM_001193376.3); short protein forms G527V.
Identifiers: ClinVar variation 863132 (VCV000863132.11), dbSNP rs1006357203, ClinGen allele CA112951997.
Genomic context (GRCh38, chr5:1,282,618, plus strand): 5'-CAGTGCAGGAACTTGGCCAGGATCTCCTCACGCAGACGGTGCTCTGCGGCCGGAACACAG[C>A]CAACCCCTTAAACGAGAAGGACATGCCACATCCAGATCACCGAGGGCCTGGTGACCTCAC-3'
Protein context (NP_937983.2, residues 517-537): CAWLRRSPGV[Gly527Val]CVPAAEHRLR